The following is an entry in ClinVar:

NM_001127511.3(APC):c.55C>T (p.Pro19Ser)

Gene: APC (APC regulator of Wnt signaling pathway; plus strand). Cytogenetic location: 5q22.2.
Variant type: single nucleotide variant.
Coding change: c.55C>T on transcript NM_001127511.3; coding-DNA position 55, C replaced by T.
Protein change: p.Pro19Ser; replaces proline 19 with serine.
Molecular consequence: missense variant. On other transcripts: 5 prime UTR variant (8), non-coding transcript variant (1), intron variant (5).
Genome position (GRCh38, 1-based): chr5:112,707,772, C>T. VCF-style: chr5-112707772-C-T. GRCh37 (hg19) VCF-style: chr5-112043469-C-T.
Other names: c.-129C>T (NM_001354895.2, NM_001407447.1, NM_001407452.1 and 3 more transcripts); c.55C>T, p.Pro19Ser (NM_001354897.2, NM_001354902.2, NM_001407446.1); c.-1164C>T (NM_001407470.1, NM_001407472.1); c.-19+123C>T (NM_001407448.1, NM_001407450.1, NM_001407457.1 and 1 more transcripts); c.-43+123C>T (NM_001407453.1); short protein forms P19S.
Identifiers: ClinVar variation 1507054 (VCV001507054.6), dbSNP rs2149630726, ClinGen allele CA360611794.

ClinVar aggregate classification (germline): Uncertain significance (1 of 4 stars; one submission).

Conditions:
Familial adenomatous polyposis 1 (FAP1). Also called: FAMILIAL ADENOMATOUS POLYPOSIS 1, ATTENUATED; POLYPOSIS, ADENOMATOUS INTESTINAL. Identifiers: MedGen C2713442, MONDO:0021056, OMIM 175100. Disease mechanism: loss of function.

gnomAD v4.1: 4 of 1,370,642 alleles (0.00029%); highest among the groups gnomAD compares: Non-Finnish European, 0.00039%; no homozygotes.

Submission:

Labcorp Genetics (formerly Invitae), Labcorp
Classification: Uncertain significance for Familial adenomatous polyposis 1. Last evaluated: 2021-02-03. Review status: criteria provided, single submitter. Criteria: Invitae Variant Classification Sherloc (09022015). Collection method: clinical testing. Allele origin: germline.
Comment: Experimental studies and prediction algorithms are not available or were not evaluated, and the functional significance of this variant is currently unknown. In summary, the available evidence is currently insufficient to determine the role of this variant in disease. Therefore, it has been classified as a Variant of Uncertain Significance. This variant has not been reported in the literature in individuals with APC-related conditions. The frequency data for this variant in the population databases is considered unreliable, as metrics indicate insufficient coverage at this position in the ExAC database. This variant occurs in a non-coding region of the APC gene. It does not change the encoded amino acid sequence of the APC protein.